The following is an entry in ClinVar:

NM_006017.3(PROM1):c.2211+7C>T

Gene: PROM1 (prominin 1; minus strand). Cytogenetic location: 4p15.32.
Variant type: single nucleotide variant.
Coding change: c.2211+7C>T on transcript NM_006017.3 (MANE Select); 7 bases into the intron after coding-DNA position 2211, C replaced by T.
Molecular consequence: intron variant.
Genome position (GRCh38, 1-based): chr4:15,985,950, G>A on the plus strand (C>T on the coding strand, the complement: PROM1 is on the minus strand). VCF-style: chr4-15985950-G-A. GRCh37 (hg19) VCF-style: chr4-15987573-G-A.
Other names: c.2184+7C>T (NM_001145848.2, NM_001145852.2, NM_001145847.2 and 4 more transcripts); c.2211+7C>T (NM_001145850.2, NM_001145849.2).
Identifiers: ClinVar variation 347981 (VCV000347981.13), dbSNP rs372262346, ClinGen allele CA2866473.
Genomic context (GRCh38, chr4:15,985,950, plus strand): 5'-AAATATTTAATCTGTAACATTCAAGTGCCCACTTATGGACACGCTTACTTTAAAAAAGAA[G>A]GCTCACCTCAATAATAACAGAGGAAGTATTGTTTGTGATGAAGTTCTGAGCAAAATCCAG-3'

ClinVar aggregate classification (germline): Conflicting classifications of pathogenicity. Review status: criteria provided, conflicting classifications (1 of 4 stars). 5 submissions from 2 submitters: Uncertain significance (2); Benign (1); Likely benign (2). Last evaluated 2025-08-20.

Conditions:
Retinitis pigmentosa (RP). Identifiers: Orphanet 791, MedGen C0035334, MeSH D012174, MONDO:0019200, OMIM 268000. Inheritance: Autosomal dominant, autosomal recessive and X linked inheritance.
Retinal macular dystrophy type 2 (MCDR2). Also called: Bull's eye macular dystrophy. Identifiers: Orphanet 319640, MedGen C4749334, MONDO:0011957, OMIM 608051.
Stargardt disease 4 (STGD4). Identifiers: Orphanet 827, MedGen C1863534, MONDO:0011370, OMIM 603786.
Cone-rod dystrophy 12 (CORD12). Identifiers: Orphanet 1872, MedGen C2675210, MONDO:0012983, OMIM 612657.

Allele frequency attached by ClinVar (database versions not stated): gnomAD exomes 0.00001 and 0.00004; ExAC 0.00010; 1000 Genomes Project 30x 0.00016; 1000 Genomes Project 0.00020; ESP Exome Variant Server 0.00025; TOPMed 0.00025; gnomAD 0.00146 and 0.00150.
gnomAD v4.1: 38 of 992,974 alleles (0.0038%); highest among the groups gnomAD compares: African/African-American, 0.1%; no homozygotes.

Submissions (5):

Labcorp Genetics (formerly Invitae), Labcorp
Classification: Likely benign. Last evaluated: 2025-08-20. Review status: criteria provided, single submitter. Criteria: Invitae Variant Classification Sherloc (09022015). Collection method: clinical testing. Allele origin: germline.

Illumina Laboratory Services, Illumina
Classification: Likely benign for Stargardt disease 4. Last evaluated: 2018-01-13. Review status: criteria provided, single submitter. Criteria: ICSL Variant Classification Criteria 13 December 2019. Collection method: clinical testing. Allele origin: germline.
Comment: This variant was observed in the ICSL laboratory as part of a predisposition screen in an ostensibly healthy population. It had not been previously curated by ICSL or reported in the Human Gene Mutation Database (HGMD: prior to June 1st, 2018), and was therefore a candidate for classification through an automated scoring system. Utilizing variant allele frequency, disease prevalence and penetrance estimates, and inheritance mode, an automated score was calculated to assess if this variant is too frequent to cause the disease. Based on the score and internal cut-off values, a variant classified as likely benign is not then subjected to further curation. The score for this variant resulted in a classification of likely benign for this disease.

Illumina Laboratory Services, Illumina
Classification: Uncertain significance for Retinal macular dystrophy type 2. Last evaluated: 2018-01-13. Review status: criteria provided, single submitter. Criteria: ICSL Variant Classification Criteria 13 December 2019. Collection method: clinical testing. Allele origin: germline.

Illumina Laboratory Services, Illumina
Classification: Benign for Cone-rod dystrophy 12. Last evaluated: 2018-01-13. Review status: criteria provided, single submitter. Criteria: ICSL Variant Classification Criteria 13 December 2019. Collection method: clinical testing. Allele origin: germline.
Comment: This variant was observed in the ICSL laboratory as part of a predisposition screen in an ostensibly healthy population. It had not been previously curated by ICSL or reported in the Human Gene Mutation Database (HGMD: prior to June 1st, 2018), and was therefore a candidate for classification through an automated scoring system. Utilizing variant allele frequency, disease prevalence and penetrance estimates, and inheritance mode, an automated score was calculated to assess if this variant is too frequent to cause the disease. Based on the score and internal cut-off values, a variant classified as benign is not then subjected to further curation. The score for this variant resulted in a classification of benign for this disease.

Illumina Laboratory Services, Illumina
Classification: Uncertain significance for Retinitis pigmentosa. Last evaluated: 2018-01-13. Review status: criteria provided, single submitter. Criteria: ICSL Variant Classification Criteria 13 December 2019. Collection method: clinical testing. Allele origin: germline.